The following is an entry in ClinVar:

NM_007348.4(ATF6):c.593T>C (p.Val198Ala)

Gene: ATF6 (activating transcription factor 6; plus strand). Cytogenetic location: 1q23.3.
Variant type: single nucleotide variant.
Coding change: c.593T>C on transcript NM_007348.4 (MANE Select); coding-DNA position 593, T replaced by C.
Protein change: p.Val198Ala; replaces valine 198 with alanine.
Molecular consequence: missense variant.
Genome position (GRCh38, 1-based): chr1:161,792,232, T>C. VCF-style: chr1-161792232-T-C. GRCh37 (hg19) VCF-style: chr1-161762022-T-C.
Other names: short protein forms V198A.
Identifiers: ClinVar variation 1042368 (VCV001042368.5), dbSNP rs1684899166, ClinGen allele CA343386555.

ClinVar aggregate classification (germline): Uncertain significance (1 of 4 stars; one submission).

Submission:

Labcorp Genetics (formerly Invitae), Labcorp
Classification: Uncertain significance. Last evaluated: 2020-10-08. Review status: criteria provided, single submitter. Criteria: Invitae Variant Classification Sherloc (09022015). Collection method: clinical testing. Allele origin: germline.
Comment: This variant has not been reported in the literature in individuals with ATF6-related conditions. This variant is not present in population databases (ExAC no frequency). This sequence change replaces valine with alanine at codon 198 of the ATF6 protein (p.Val198Ala). The valine residue is moderately conserved and there is a small physicochemical difference between valine and alanine. Algorithms developed to predict the effect of missense changes on protein structure and function are either unavailable or do not agree on the potential impact of this missense change (SIFT: "Deleterious"; PolyPhen-2: "Benign"; Align-GVGD: "Class C0"). In summary, the available evidence is currently insufficient to determine the role of this variant in disease. Therefore, it has been classified as a Variant of Uncertain Significance.